The following is an entry in ClinVar:

NM_007294.4(BRCA1):c.41T>A (p.Val14Asp)

Gene: BRCA1 (BRCA1 DNA repair associated; minus strand). Cytogenetic location: 17q21.31.
Variant type: single nucleotide variant.
Coding change: c.41T>A on transcript NM_007294.4 (MANE Select); coding-DNA position 41, T replaced by A.
Protein change: p.Val14Asp; replaces valine 14 with aspartic acid.
Molecular consequence: missense variant. On other transcripts: 5 prime UTR variant (1), non-coding transcript variant (1).
Genome position (GRCh38, 1-based): chr17:43,124,056, A>T on the plus strand (T>A on the coding strand, the complement: BRCA1 is on the minus strand). VCF-style: chr17-43124056-A-T. GRCh37 (hg19) VCF-style: chr17-41276073-A-T.
Other names: c.-148T>A (NM_001407571.1, NM_001407853.1, NM_001407879.1 and 46 more transcripts); c.41T>A, p.Val14Asp (NM_001407581.1, NM_001407582.1, NM_001407583.1 and 193 more transcripts); c.-220T>A (NM_001407725.1, NM_001407730.1, NM_001407734.1 and 22 more transcripts); c.-166T>A (NM_001407726.1, NM_001407751.1); c.-217T>A (NM_001407727.1, NM_001407731.1, NM_001407733.1 and 11 more transcripts); c.-47T>A (NM_001407732.1, NM_001407736.1, NM_001407738.1 and 23 more transcripts); c.-224T>A (NM_001407741.1, NM_001407934.1, NM_001408497.1); c.-97T>A (NM_001407841.1); and 8 more; short protein forms V14D.
Identifiers: ClinVar variation 865031 (VCV000865031.4), dbSNP rs2055732014, ClinGen allele CA10602077.

ClinVar aggregate classification (germline): Uncertain significance (1 of 4 stars; one submission).

Allele frequency attached by ClinVar (database versions not stated): gnomAD exomes below 0.00001.
gnomAD v4.1: 1 of 1,613,894 alleles (0.000062%); no homozygotes.

Submissions (2):

Blueprint Genetics
Classification: Uncertain significance. Last evaluated: 2019-10-08. Review status: criteria provided, single submitter. Criteria: ACMG Guidelines, 2015. Collection method: clinical testing. Allele origin: germline.

Brotman Baty Institute, University of Washington
No classification provided (evidence only). Condition: Breast-ovarian cancer, familial 1. Review status: no classification provided. Collection method: in vitro. Allele origin: not applicable. Functional consequence: function_uncertain_variant. Not counted in ClinVar's aggregate classification.
ClinVar note: "not provided" was previously submitted as the classification for the variant. However, the classification appeared to be based only on an observation of functional data so it was converted to no classification on 2025-07-30.